The following is an entry in ClinVar:

NM_004168.4(SDHA):c.1911C>T (p.Val637=)

Gene: SDHA (succinate dehydrogenase complex flavoprotein subunit A; plus strand). Cytogenetic location: 5p15.33.
Variant type: single nucleotide variant.
Coding change: c.1911C>T on transcript NM_004168.4 (MANE Select); coding-DNA position 1911, C replaced by T.
Protein change: p.Val637=; no amino-acid change (valine 637 retained).
Molecular consequence: synonymous variant.
Genome position (GRCh38, 1-based): chr5:256,336, C>T. VCF-style: chr5-256336-C-T. GRCh37 (hg19) VCF-style: chr5-256451-C-T.
Other names: p.Val637=; c.1767C>T, p.Val589= (NM_001294332.2); c.1668C>T, p.Val556= (NM_001330758.2).
Identifiers: ClinVar variation 224955 (VCV000224955.46), dbSNP rs11557098, ClinGen allele CA358569.

ClinVar aggregate classification (germline): Benign/Likely benign. Review status: criteria provided, multiple submitters, no conflicts (2 of 4 stars). 18 submissions from 16 submitters: Benign (12); Likely benign (2). 4 of the submissions do not count toward it. Last evaluated 2026-02-04.

Conditions:
Mitochondrial complex II deficiency, nuclear type 1. Also called: SUCCINATE CoQ REDUCTASE DEFICIENCY. Identifiers: Orphanet 3208, MedGen C5700310, MONDO:0100294, OMIM 252011.
Pheochromocytoma/paraganglioma syndrome 5. Also called: Paragangliomas 5; SDHA-Related Hereditary Paraganglioma-Pheochromocytoma Syndrome. Identifiers: Orphanet 29072, MedGen C3279992, MONDO:0013602, OMIM 614165.
Hereditary cancer-predisposing syndrome. Also called: Tumor predisposition; Neoplastic Syndromes, Hereditary; Hereditary Cancer Syndrome; Hereditary neoplastic syndrome. Identifiers: Orphanet 140162, MedGen C0027672, MeSH D009386, MONDO:0015356.
Hereditary pheochromocytoma and paraganglioma. Also called: Hereditary paragangliomas and pheochromocytomas; Hereditary pheochromocytoma-paraganglioma; Hereditary Paraganglioma-Pheochromocytoma Syndromes. Identifiers: Orphanet 29072, MedGen C4274332, MONDO:0017366.
Leigh syndrome (NULS). Also called: Leigh's necrotizing encephalopathy; Leigh Syndrome (mtDNA deletion); Subacute necrotizing encephalopathy; Necrotizing encephalopathy infantile subacute of Leigh; LEIGH SYNDROME, NUCLEAR; Leigh's syndrome. Identifiers: Orphanet 506, MedGen C2931891, MONDO:0009723, OMIM 256000.
SDHA-related disorder. Also called: SDHA-related condition; SDHA-related disorders.
Dilated cardiomyopathy 1GG (CMD1GG). Identifiers: Orphanet 154, MedGen C3150898, MONDO:0013339, OMIM 613642.
Neurodegeneration with ataxia and late-onset optic atrophy. Identifiers: MedGen C5543254, MONDO:0031006, OMIM 619259.

Allele frequency attached by ClinVar (database versions not stated): ESP Exome Variant Server 0.00038; gnomAD 0.00180 and 0.00239; TOPMed 0.00284; ExAC 0.00467; gnomAD exomes 0.00491; 1000 Genomes Project 30x 0.00984; 1000 Genomes Project 0.01058.
gnomAD v4.1: 2,571 of 1,612,834 alleles (0.16%); highest among the groups gnomAD compares: East Asian, 3.9%; 43 homozygotes.

Submissions (18):

Labcorp Genetics (formerly Invitae), Labcorp
Classification: Benign for Pheochromocytoma/paraganglioma syndrome 5; Mitochondrial complex II deficiency, nuclear type 1. Last evaluated: 2026-02-04. Review status: criteria provided, single submitter. Criteria: Invitae Variant Classification Sherloc (09022015). Collection method: clinical testing. Allele origin: germline.

Quest Diagnostics Nichols Institute San Juan Capistrano
Classification: Benign. Last evaluated: 2025-07-14. Review status: criteria provided, single submitter. Criteria: Quest Diagnostics criteria. Collection method: clinical testing. Allele origin: unknown.

Myriad Genetics, Inc.
Classification: Benign for Pheochromocytoma/paraganglioma syndrome 5. Last evaluated: 2025-03-11. Review status: criteria provided, single submitter. Criteria: Myriad Autosomal Dominant, Autosomal Recessive and X-Linked Classification Criteria (2023). Collection method: clinical testing. Allele origin: unknown.
Comment: This variant is considered benign. This variant is a silent/synonymous amino acid change and it is not expected to impact splicing.

Center for Genomic Medicine, Rigshospitalet, Copenhagen University Hospital
Classification: Benign. Last evaluated: 2025-03-04. Review status: criteria provided, single submitter. Criteria: ACMG Guidelines, 2015. Collection method: clinical testing. Allele origin: germline.

Blueprint Genetics
Classification: Likely benign. Last evaluated: 2024-11-15. Review status: criteria provided, single submitter. Criteria: ACMG Guidelines, 2015. Collection method: clinical testing. Allele origin: germline.

Mayo Clinic Laboratories, Mayo Clinic
Classification: Benign. Last evaluated: 2024-02-17. Review status: criteria provided, single submitter. Criteria: ACMG Guidelines, 2015. Collection method: clinical testing. Allele origin: germline. Observed: 6 variant alleles.

ARUP Laboratories, Molecular Genetics and Genomics, ARUP Laboratories
Classification: Benign. Last evaluated: 2023-08-07. Review status: criteria provided, single submitter. Criteria: ARUP Molecular Germline Variant Investigation Process 2024. Collection method: clinical testing. Allele origin: germline.

KCCC/NGS Laboratory, Kuwait Cancer Control Center
Classification: Benign for Pheochromocytoma/paraganglioma syndrome 5. Last evaluated: 2023-07-07. Review status: criteria provided, single submitter. Criteria: ACMG Guidelines, 2015. Collection method: clinical testing. Allele origin: germline. Affected: yes.

Department of Pathology and Laboratory Medicine, Sinai Health System
Classification: Benign for Mitochondrial complex II deficiency, nuclear type 1; Dilated cardiomyopathy 1GG; Pheochromocytoma/paraganglioma syndrome 5; Neurodegeneration with ataxia and late-onset optic atrophy. Last evaluated: 2021-11-24. Review status: criteria provided, single submitter. Criteria: ACMG Guidelines, 2015. Collection method: clinical testing. Allele origin: germline. Affected: yes.

Illumina Laboratory Services, Illumina
Classification: Benign for Hereditary Paraganglioma-Pheochromocytoma Syndromes. Last evaluated: 2018-01-13. Review status: criteria provided, single submitter. Criteria: ICSL Variant Classification Criteria 13 December 2019. Collection method: clinical testing. Allele origin: germline.
Comment: This variant was observed in the ICSL laboratory as part of a predisposition screen in an ostensibly healthy population. It had not been previously curated by ICSL or reported in the Human Gene Mutation Database (HGMD: prior to June 1st, 2018), and was therefore a candidate for classification through an automated scoring system. Utilizing variant allele frequency, disease prevalence and penetrance estimates, and inheritance mode, an automated score was calculated to assess if this variant is too frequent to cause the disease. Based on the score and internal cut-off values, a variant classified as benign is not then subjected to further curation. The score for this variant resulted in a classification of benign for this disease.

Illumina Laboratory Services, Illumina
Classification: Benign for Leigh syndrome. Last evaluated: 2018-01-13. Review status: criteria provided, single submitter. Criteria: ICSL Variant Classification Criteria 13 December 2019. Collection method: clinical testing. Allele origin: germline.
Comment: the same text as in the submission from Illumina Laboratory Services, Illumina above.

Illumina Laboratory Services, Illumina
Classification: Likely benign for Mitochondrial complex II deficiency, nuclear type 1. Last evaluated: 2018-01-13. Review status: criteria provided, single submitter. Criteria: ICSL Variant Classification Criteria 13 December 2019. Collection method: clinical testing. Allele origin: germline.
Comment: This variant was observed in the ICSL laboratory as part of a predisposition screen in an ostensibly healthy population. It had not been previously curated by ICSL or reported in the Human Gene Mutation Database (HGMD: prior to June 1st, 2018), and was therefore a candidate for classification through an automated scoring system. Utilizing variant allele frequency, disease prevalence and penetrance estimates, and inheritance mode, an automated score was calculated to assess if this variant is too frequent to cause the disease. Based on the score and internal cut-off values, a variant classified as likely benign is not then subjected to further curation. The score for this variant resulted in a classification of likely benign for this disease.

GeneDx
Classification: Benign. Last evaluated: 2016-11-17. Review status: criteria provided, single submitter. Criteria: GeneDx Variant Classification (06012015). Collection method: clinical testing. Allele origin: germline. Affected: yes.
Comment: This variant is considered likely benign or benign based on one or more of the following criteria: it is a conservative change, it occurs at a poorly conserved position in the protein, it is predicted to be benign by multiple in silico algorithms, and/or has population frequency not consistent with disease.

Ambry Genetics
Classification: Benign for Hereditary cancer-predisposing syndrome. Last evaluated: 2014-11-19. Review status: criteria provided, single submitter. Criteria: Ambry Variant Classification Scheme 2023. Collection method: clinical testing. Allele origin: germline.

PreventionGenetics, part of Exact Sciences
Classification: Benign for SDHA-related condition. Last evaluated: 2019-05-13. Review status: no assertion criteria provided. Collection method: clinical testing. Allele origin: germline. Not counted in ClinVar's aggregate classification.
Comment: This variant is classified as benign based on ACMG/AMP sequence variant interpretation guidelines (Richards et al. 2015 PMID: 25741868, with internal and published modifications).

Diagnostic Laboratory, Department of Genetics, University Medical Center Groningen
Classification: Benign. Review status: no assertion criteria provided. Collection method: clinical testing. Allele origin: germline. Affected: yes. Study: VKGL Data-share Consensus. Not counted in ClinVar's aggregate classification.

Genome Diagnostics Laboratory, Amsterdam University Medical Center
Classification: Likely benign. Review status: no assertion criteria provided. Collection method: clinical testing. Allele origin: germline. Affected: yes. Study: VKGL Data-share Consensus. Not counted in ClinVar's aggregate classification.

Joint Genome Diagnostic Labs from Nijmegen and Maastricht, Radboudumc and MUMC+
Classification: Benign. Review status: no assertion criteria provided. Collection method: clinical testing. Allele origin: germline. Affected: yes. Study: VKGL Data-share Consensus. Not counted in ClinVar's aggregate classification.